The following is an entry in ClinVar:

NM_018136.5(ASPM):c.6457T>C (p.Tyr2153His)

Gene: ASPM (assembly factor for spindle microtubules; minus strand). Cytogenetic location: 1q31.3.
Variant type: single nucleotide variant.
Coding change: c.6457T>C on transcript NM_018136.5 (MANE Select); coding-DNA position 6457, T replaced by C.
Protein change: p.Tyr2153His; replaces tyrosine 2153 with histidine.
Molecular consequence: missense variant. On other transcripts: intron variant (1).
Genome position (GRCh38, 1-based): chr1:197,102,794, A>G on the plus strand (T>C on the coding strand, the complement: ASPM is on the minus strand). VCF-style: chr1-197102794-A-G. GRCh37 (hg19) VCF-style: chr1-197071924-A-G.
Other names: c.4066-6630T>C (NM_001206846.2); short protein forms Y2153H.
Identifiers: ClinVar variation 509500 (VCV000509500.25), dbSNP rs1183851640, ClinGen allele CA344022860.

ClinVar aggregate classification (germline): Conflicting classifications of pathogenicity. Review status: criteria provided, conflicting classifications (1 of 4 stars). 2 submissions from 2 submitters: Uncertain significance (1); Likely benign (1). Last evaluated 2023-04-01.

Allele frequency attached by ClinVar (database versions not stated): gnomAD exomes below 0.00001 and 0.00001; gnomAD 0.00001 and 0.00002; TOPMed 0.00001.
gnomAD v4.1: 16 of 1,612,396 alleles (0.00099%); highest among the groups gnomAD compares: South Asian, 0.0033%; no homozygotes.

Submissions (2):

CeGaT Center for Human Genetics Tuebingen
Classification: Uncertain significance. Last evaluated: 2023-04-01. Review status: criteria provided, single submitter. Criteria: CeGaT Center For Human Genetics Tuebingen Variant Classification Criteria Version 2. Collection method: clinical testing. Allele origin: germline. Affected: yes. Observed: 2 variant alleles.
Comment: ASPM: PM2, BP4

GeneDx
Classification: Likely benign. Last evaluated: 2017-05-16. Review status: criteria provided, single submitter. Criteria: GeneDx Variant Classification (06012015). Collection method: clinical testing. Allele origin: germline. Affected: yes.
Comment: This variant is considered likely benign or benign based on one or more of the following criteria: it is a conservative change, it occurs at a poorly conserved position in the protein, it is predicted to be benign by multiple in silico algorithms, and/or has population frequency not consistent with disease.